The following is an entry in ClinVar:

NM_174936.4(PCSK9):c.45GCT[4] (p.Leu21_Leu23del)

Gene: PCSK9 (proprotein convertase subtilisin/kexin type 9; plus strand). Cytogenetic location: 1p32.3.
Variant type: Microsatellite.
Coding change: c.45GCT[4] on transcript NM_174936.4 (MANE Select); four copies in a row of the 3-base unit GCT starting at c.45; the reference has seven copies in a row; three copies, 9 bases deleted; also written c.57_65del.
Protein change: p.Leu21_Leu23del.
Molecular consequence: inframe deletion.
Genome position (GRCh38, 1-based): chr1:55,039,894-55,039,902, GCTGCTGCT deleted; deleting any 9 consecutive bases within chr1:55,039,880-55,039,902 gives the same sequence; the position shown is the placement nearest the transcript's 3' end. VCF-style (leftmost placement, unchanged base first): chr1-55039879-ACTGCTGCTG-A. GRCh37 (hg19) VCF-style: chr1-55505552-ACTGCTGCTG-A.
Other names: c.57_65del (NM_174936.4).
Identifiers: ClinVar variation 924740 (VCV000924740.5), dbSNP rs35574083, ClinGen allele CA417957276.

ClinVar aggregate classification (germline): Uncertain significance. Review status: criteria provided, multiple submitters, no conflicts (2 of 4 stars). 2 submissions from 2 submitters: Uncertain significance (2). Last evaluated 2024-08-06.

Conditions:
Familial hypercholesterolemia. Also called: Familial hypercholesterolemias; Familial hypercholesterolaemia. Identifiers: MedGen C0020445, MONDO:0005439.
Hypercholesterolemia, autosomal dominant, 3 (FHCL3). Also called: Familial hypercholesterolemia 3; Familial Hypercholesterolemia, Autosomal Dominant, 3; PCSK9-Related Familial Hypercholesterolemia, Autosomal Dominant. Identifiers: MedGen C1863551, MONDO:0011369, OMIM 603776.

Submissions (2):

All of Us Research Program, National Institutes of Health
Classification: Uncertain significance for Hypercholesterolemia, autosomal dominant, 3. Last evaluated: 2024-08-06. Review status: criteria provided, single submitter. Criteria: ACMG Guidelines, 2015. Collection method: clinical testing. Allele origin: germline. Inheritance: Autosomal dominant inheritance. Observed: 2 variant alleles, 2 heterozygotes.
Comment: Variant of Uncertain Significance due to insufficient evidence: This variant is an in-frame deletion of three amino acids in a poorly conserved region of the signal peptide of the PCSK9 protein. To our knowledge, functional assays have not been performed for this variant nor has the variant been reported in individuals affected with familial hypercholesterolemia in the literature. Computational splicing tools suggest that this variant may not impact RNA splicing. This variant is rare in the general population and has been identified in 0/277264 chromosomes by the Genome Aggregation Database (gnomAD). Available evidence is insufficient to determine the pathogenicity of this variant conclusively.

This study involves interpretation of variants in research participants for the purpose of population health screening. Participant phenotype was not available at the time of variant classification. Additional details can be found in publication PMID: 35346344, PMCID: PMC8962531

Color Diagnostics, LLC DBA Color Health
Classification: Uncertain significance for Familial hypercholesterolemia. Last evaluated: 2024-06-12. Review status: criteria provided, single submitter. Criteria: ACMG Guidelines, 2015. Collection method: clinical testing. Allele origin: germline.
Comment: This variant causes an in-frame deletion of three amino acids at exon 1 of the PCSK9 protein. To our knowledge, functional studies have not been reported for this variant. This variant has not been reported in individuals affected with PCSK9-related disorders in the literature. This variant has not been identified in the general population by the Genome Aggregation Database (gnomAD). The available evidence is insufficient to determine the role of this variant in disease conclusively. Therefore, this variant is classified as a Variant of Uncertain Significance.